The following is an entry in ClinVar:

ClinVar aggregate classification (germline): Uncertain significance. Review status: criteria provided, multiple submitters, no conflicts (2 of 4 stars). 2 submissions from 2 submitters: Uncertain significance (2). Last evaluated 2025-02-28.

Conditions:
Breast-ovarian cancer, familial, susceptibility to, 4. Identifiers: Orphanet 145, MedGen C3280345, MONDO:0013669, OMIM 614291.
Hereditary cancer-predisposing syndrome. Also called: Hereditary Cancer Syndrome; Tumor predisposition; Hereditary neoplastic syndrome; Neoplastic Syndromes, Hereditary. Identifiers: Orphanet 140162, MedGen C0027672, MeSH D009386, MONDO:0015356.

Submissions (2):

Ambry Genetics
Classification: Uncertain significance for Hereditary cancer-predisposing syndrome. Last evaluated: 2025-02-28. Review status: criteria provided, single submitter. Criteria: Ambry Variant Classification Scheme 2023. Collection method: clinical testing. Allele origin: germline.
Comment: The p.Q301H variant (also known as c.903G>C), located in coding exon 9 of the RAD51D gene, results from a G to C substitution at nucleotide position 903. The amino acid change results in glutamine to histidine at codon 301, an amino acid with highly similar properties. However, this change occurs in the last base pair of coding exon 9, which makes it likely to have some effect on normal mRNA splicing. This nucleotide position is highly conserved in available vertebrate species. In silico splice site analysis predicts that this alteration will weaken the native splice donor site; however, direct evidence is insufficient at this time (Ambry internal data). This amino acid position is not well conserved in available vertebrate species. In addition, this alteration is predicted to be tolerated by in silico analysis. Since supporting evidence is limited at this time, the clinical significance of this alteration remains unclear.

Labcorp Genetics (formerly Invitae), Labcorp
Classification: Uncertain significance for Breast-ovarian cancer, familial, susceptibility to, 4. Last evaluated: 2023-06-06. Review status: criteria provided, single submitter. Criteria: Invitae Variant Classification Sherloc (09022015). Collection method: clinical testing. Allele origin: germline.
Comment: This sequence change replaces glutamine, which is neutral and polar, with histidine, which is basic and polar, at codon 301 of the RAD51D protein (p.Gln301His). This variant also falls at the last nucleotide of exon 9, which is part of the consensus splice site for this exon. In summary, the available evidence is currently insufficient to determine the role of this variant in disease. Therefore, it has been classified as a Variant of Uncertain Significance. Variants that disrupt the consensus splice site are a relatively common cause of aberrant splicing (PMID: 17576681, 9536098). RNA analysis performed to evaluate the impact of this missense change on mRNA splicing indicates it does not significantly alter splicing (Invitae). An algorithm developed to predict the effect of missense changes on protein structure and function (PolyPhen-2) suggests that this variant is likely to be disruptive. ClinVar contains an entry for this variant (Variation ID: 1055667). This variant has not been reported in the literature in individuals affected with RAD51D-related conditions. This variant is not present in population databases (gnomAD no frequency).

Literature cited by the submitters: PubMed 17576681 (cited by Labcorp Genetics (formerly Invitae), Labcorp); PubMed 9536098 (cited by Labcorp Genetics (formerly Invitae), Labcorp).

NM_002878.4(RAD51D):c.903G>C (p.Gln301His)

Genes: RAD51L3-RFFL (RAD51L3-RFFL readthrough; minus strand), RAD51D (RAD51 paralog D; minus strand). Cytogenetic location: 17q12.
Variant type: single nucleotide variant.
Coding change: c.903G>C on transcript NM_002878.4 (MANE Select); coding-DNA position 903, G replaced by C.
Protein change: p.Gln301His; replaces glutamine 301 with histidine.
Molecular consequence: missense variant. On other transcripts: non-coding transcript variant (3).
Genome position (GRCh38, 1-based): chr17:35,101,201, C>G on the plus strand (G>C on the coding strand, the complement: RAD51D is on the minus strand). VCF-style: chr17-35101201-C-G. GRCh37 (hg19) VCF-style: chr17-33428220-C-G.
Other names: c.963G>C, p.Gln321His (NM_001142571.2); c.567G>C, p.Gln189His (NM_133629.3); short protein forms Q189H, Q301H, Q321H.
Identifiers: ClinVar variation 1055667 (VCV001055667.8), dbSNP rs2142410821, ClinGen allele CA399086231.